The following is an entry in ClinVar:

NM_000465.4(BARD1):c.1887G>T (p.Trp629Cys)

Gene: BARD1 (BRCA1 associated RING domain 1; minus strand). Cytogenetic location: 2q35.
Variant type: single nucleotide variant.
Coding change: c.1887G>T on transcript NM_000465.4 (MANE Select); coding-DNA position 1887, G replaced by T.
Protein change: p.Trp629Cys; replaces tryptophan 629 with cysteine.
Molecular consequence: missense variant. On other transcripts: non-coding transcript variant (3), intron variant (1).
Genome position (GRCh38, 1-based): chr2:214,745,083, C>A on the plus strand (G>T on the coding strand, the complement: BARD1 is on the minus strand). VCF-style: chr2-214745083-C-A. GRCh37 (hg19) VCF-style: chr2-215609807-C-A.
Other names: c.1830G>T, p.Trp610Cys (NM_001282543.2); c.534G>T, p.Trp178Cys (NM_001282545.2); c.477G>T, p.Trp159Cys (NM_001282548.2); c.365-14575G>T (NM_001282549.2); c.1887G>T (NM_000465.2); short protein forms W629C, W159C, W178C, W610C.
Identifiers: ClinVar variation 237826 (VCV000237826.10), dbSNP rs878854003, ClinGen allele CA10581922.
Genomic context (GRCh38, chr2:214,745,083, plus strand): 5'-ACTAGTCTAATTCATTTCTTAATTCTCTCAAATCCAACACTTACATTCAAATTTTAGAAT[C>A]CAGCATCCATTGAGAATCCCAAGCATACACTTCAAGGTACTTTGAACTGCATCACCAGGA-3'
Protein context (NP_000456.2, residues 619-639): KCMLGILNGC[Trp629Cys]ILKFEWVKAC

ClinVar aggregate classification (germline): Uncertain significance. Review status: criteria provided, multiple submitters, no conflicts (2 of 4 stars). 2 submissions from 2 submitters: Uncertain significance (2). Last evaluated 2024-12-19.

Conditions:
Hereditary cancer-predisposing syndrome. Also called: Neoplastic Syndromes, Hereditary; Hereditary neoplastic syndrome; Tumor predisposition; Hereditary Cancer Syndrome. Identifiers: Orphanet 140162, MedGen C0027672, MeSH D009386, MONDO:0015356.
Familial cancer of breast. Also called: BREAST CANCER, FAMILIAL; hereditary breast carcinoma; Hereditary breast cancer. Identifiers: Orphanet 227535, MedGen C0346153, MONDO:0016419, OMIM 114480. Disease mechanism: loss of function.

Submissions (2):

Ambry Genetics
Classification: Uncertain significance for Hereditary cancer-predisposing syndrome. Last evaluated: 2024-12-19. Review status: criteria provided, single submitter. Criteria: Ambry Variant Classification Scheme 2023. Collection method: clinical testing. Allele origin: germline.
Comment: The p.W629C variant (also known as c.1887G>T), located in coding exon 9 of the BARD1 gene, results from a G to T substitution at nucleotide position 1887. The tryptophan at codon 629 is replaced by cysteine, an amino acid with highly dissimilar properties. This amino acid position is highly conserved in available vertebrate species. In addition, this alteration is predicted to be deleterious by in silico analysis. Based on the available evidence, the clinical significance of this variant remains unclear.

Labcorp Genetics (formerly Invitae), Labcorp
Classification: Uncertain significance for Familial cancer of breast. Last evaluated: 2023-05-10. Review status: criteria provided, single submitter. Criteria: Invitae Variant Classification Sherloc (09022015). Collection method: clinical testing. Allele origin: germline.
Comment: This variant has not been reported in the literature in individuals affected with BARD1-related conditions. In summary, the available evidence is currently insufficient to determine the role of this variant in disease. Therefore, it has been classified as a Variant of Uncertain Significance. An algorithm developed to predict the effect of missense changes on protein structure and function (PolyPhen-2) suggests that this variant is likely to be disruptive. ClinVar contains an entry for this variant (Variation ID: 237826). This variant is not present in population databases (gnomAD no frequency). This sequence change replaces tryptophan, which is neutral and slightly polar, with cysteine, which is neutral and slightly polar, at codon 629 of the BARD1 protein (p.Trp629Cys).